The following is an entry in ClinVar:

NM_018896.5(CACNA1G):c.2850C>T (p.Phe950=)

Gene: CACNA1G (calcium voltage-gated channel subunit alpha1 G; plus strand). Cytogenetic location: 17q21.33.
Variant type: single nucleotide variant.
Coding change: c.2850C>T on transcript NM_018896.5 (MANE Select); coding-DNA position 2850, C replaced by T.
Protein change: p.Phe950=; no amino-acid change (phenylalanine 950 retained).
Molecular consequence: synonymous variant. On other transcripts: non-coding transcript variant (5).
Genome position (GRCh38, 1-based): chr17:50,592,032, C>T. VCF-style: chr17-50592032-C-T. GRCh37 (hg19) VCF-style: chr17-48669393-C-T.
Other names: c.2850C>T, p.Phe950= (NM_001256324.2, NM_001256325.2, NM_001256326.2 and 24 more transcripts).
Identifiers: ClinVar variation 3339638 (VCV003339638.1).

ClinVar aggregate classification (germline): Likely benign (1 of 4 stars; one submission).

gnomAD v4.1: 24 of 1,613,974 alleles (0.0015%); highest among the groups gnomAD compares: South Asian, 0.0066%; no homozygotes.

Submission:

Women's Health and Genetics/Laboratory Corporation of America, LabCorp
Classification: Likely benign. Last evaluated: 2024-06-10. Review status: criteria provided, single submitter. Criteria: LabCorp Variant Classification Summary - May 2015. Collection method: clinical testing. Allele origin: germline.
Comment: Variant summary: CACNA1G c.2850C>T alters a conserved nucleotide resulting in a synonymous change. Consensus agreement among computation tools predict no significant impact on normal splicing. However, these predictions have yet to be confirmed by functional studies. The variant allele was found at a frequency of 3.2e-05 in 249150 control chromosomes. The available data on variant occurrences in the general population are insufficient to allow any conclusion about variant significance. To our knowledge, no occurrence of c.2850C>T in individuals affected with Spinocerebellar Ataxia Type 42 and no experimental evidence demonstrating its impact on protein function have been reported. No submitters have cited clinical-significance assessments for this variant to ClinVar. Based on the evidence outlined above, the variant was classified as likely benign.